The following is an entry in ClinVar:

NM_000392.5(ABCC2):c.2603del (p.Pro868fs)

Gene: ABCC2 (ATP binding cassette subfamily C member 2; plus strand). Cytogenetic location: 10q24.2.
Variant type: Deletion.
Coding change: c.2603del on transcript NM_000392.5 (MANE Select); coding-DNA position 2603, one base deleted (C; older notation c.2603delC).
Protein change: p.Pro868fs; shifts the reading frame from proline 868.
Molecular consequence: frameshift variant.
Genome position (GRCh38, 1-based): chr10:99,819,252, C deleted; the last of 3 consecutive C bases (chr10:99,819,250-99,819,252); deleting any one gives the same sequence. VCF-style (leftmost placement, unchanged base first): chr10-99819249-GC-G. GRCh37 (hg19) VCF-style: chr10-101579006-GC-G.
Other names: short protein forms P868fs.
Identifiers: ClinVar variation 2735805 (VCV002735805.3), dbSNP rs2492968523, ClinGen allele CA2697558673.

ClinVar aggregate classification (germline): Pathogenic (1 of 4 stars; one submission).

Submission:

Labcorp Genetics (formerly Invitae), Labcorp
Classification: Pathogenic. Last evaluated: 2023-07-03. Review status: criteria provided, single submitter. Criteria: Invitae Variant Classification Sherloc (09022015). Collection method: clinical testing. Allele origin: germline.
Comment: For these reasons, this variant has been classified as Pathogenic. This variant has not been reported in the literature in individuals affected with ABCC2-related conditions. This variant is not present in population databases (gnomAD no frequency). This sequence change creates a premature translational stop signal (p.Pro868Leufs*20) in the ABCC2 gene. It is expected to result in an absent or disrupted protein product. Loss-of-function variants in ABCC2 are known to be pathogenic (PMID: 9185779, 16549534, 16952291).

Literature cited by the submitters: PubMed 9185779; PubMed 16549534; PubMed 16952291.